The following is an entry in ClinVar:

NM_001845.6(COL4A1):c.4765G>A (p.Ala1589Thr)

Gene: COL4A1 (collagen type IV alpha 1 chain; minus strand). Cytogenetic location: 13q34.
Variant type: single nucleotide variant.
Coding change: c.4765G>A on transcript NM_001845.6 (MANE Select); coding-DNA position 4765, G replaced by A.
Protein change: p.Ala1589Thr; replaces alanine 1589 with threonine.
Molecular consequence: missense variant.
Genome position (GRCh38, 1-based): chr13:110,152,497, C>T on the plus strand (G>A on the coding strand, the complement: COL4A1 is on the minus strand). VCF-style: chr13-110152497-C-T. GRCh37 (hg19) VCF-style: chr13-110804844-C-T.
Other names: c.4765G>A (NM_001845.4); short protein forms A1589T.
Identifiers: ClinVar variation 2913279 (VCV002913279.4), dbSNP rs771443426, ClinGen allele CA7046807.

ClinVar aggregate classification (germline): Uncertain significance. Review status: criteria provided, multiple submitters, no conflicts (2 of 4 stars). 2 submissions from 2 submitters: Uncertain significance (2). Last evaluated 2026-01-28.

Allele frequency attached by ClinVar (database versions not stated): TOPMed below 0.00001; gnomAD 0.00001; ExAC 0.00002.
gnomAD v4.1: 12 of 1,611,754 alleles (0.00074%); highest among the groups gnomAD compares: Non-Finnish European, 0.00051%; no homozygotes.

Submissions (2):

Labcorp Genetics (formerly Invitae), Labcorp
Classification: Uncertain significance. Last evaluated: 2026-01-28. Review status: criteria provided, single submitter. Criteria: Invitae Variant Classification Sherloc (09022015). Collection method: clinical testing. Allele origin: germline.
Comment: This sequence change replaces alanine, which is neutral and non-polar, with threonine, which is neutral and polar, at codon 1589 of the COL4A1 protein (p.Ala1589Thr). This variant is present in population databases (rs771443426, gnomAD 0.01%). This variant has not been reported in the literature in individuals affected with COL4A1-related conditions. ClinVar contains an entry for this variant (Variation ID: 2913279). Invitae Evidence Modeling of protein sequence and biophysical properties (such as structural, functional, and spatial information, amino acid conservation, physicochemical variation, residue mobility, and thermodynamic stability) has been performed for this missense variant. However, the output from this modeling did not meet the statistical confidence thresholds required to predict the impact of this variant on COL4A1 protein function. In summary, the available evidence is currently insufficient to determine the role of this variant in disease. Therefore, it has been classified as a Variant of Uncertain Significance.

GeneDx
Classification: Uncertain significance. Last evaluated: 2024-10-01. Review status: criteria provided, single submitter. Criteria: GeneDx Variant Classification Process June 2021. Collection method: clinical testing. Allele origin: germline. Affected: yes.
Comment: Has not been previously published as pathogenic or benign to our knowledge; In silico analysis supports that this missense variant has a deleterious effect on protein structure/function